The following is an entry in ClinVar:

ClinVar aggregate classification (germline): Likely benign. Review status: criteria provided, multiple submitters, no conflicts (2 of 4 stars). 2 submissions from 2 submitters: Likely benign (2). Last evaluated 2026-01-31.

Conditions:
Leigh syndrome (NULS). Also called: Subacute necrotizing encephalopathy; Necrotizing encephalopathy infantile subacute of Leigh; LEIGH SYNDROME, NUCLEAR; Leigh's necrotizing encephalopathy; Leigh's disease; Leigh Syndrome (mtDNA deletion). Identifiers: Orphanet 506, MedGen C2931891, MONDO:0009723, OMIM 256000.

Allele frequency attached by ClinVar (database versions not stated): ExAC 0.00001; gnomAD exomes 0.00010 and 0.00007; TOPMed 0.00028; gnomAD 0.00029 and 0.00030; ESP Exome Variant Server 0.00008.
gnomAD v4.1: 154 of 1,614,114 alleles (0.0095%); highest among the groups gnomAD compares: Admixed American, 0.092%; no homozygotes.

Submissions (2):

Labcorp Genetics (formerly Invitae), Labcorp
Classification: Likely benign for Leigh syndrome. Last evaluated: 2026-01-31. Review status: criteria provided, single submitter. Criteria: Invitae Variant Classification Sherloc (09022015). Collection method: clinical testing. Allele origin: germline.

CeGaT Center for Human Genetics Tuebingen
Classification: Likely benign. Last evaluated: 2025-12-01. Review status: criteria provided, single submitter. Criteria: CeGaT Center For Human Genetics Tuebingen Variant Classification Criteria Version 2. Collection method: clinical testing. Allele origin: germline. Affected: yes. Observed: 2 variant alleles.
Comment: SURF1: BP4, BP7

NM_003172.4(SURF1):c.687T>C (p.Tyr229=)

Gene: SURF1 (SURF1 cytochrome c oxidase assembly factor; minus strand). Cytogenetic location: 9q34.2.
Variant type: single nucleotide variant.
Coding change: c.687T>C on transcript NM_003172.4 (MANE Select); coding-DNA position 687, T replaced by C.
Protein change: p.Tyr229=; no amino-acid change (tyrosine 229 retained).
Molecular consequence: synonymous variant.
Genome position (GRCh38, 1-based): chr9:133,352,510, A>G on the plus strand (T>C on the coding strand, the complement: SURF1 is on the minus strand). VCF-style: chr9-133352510-A-G. GRCh37 (hg19) VCF-style: chr9-136219365-A-G.
Other names: c.360T>C, p.Tyr120= (NM_001280787.1).
Identifiers: ClinVar variation 526796 (VCV000526796.30), dbSNP rs373154583, ClinGen allele CA200832370.